The following is an entry in ClinVar:

ClinVar aggregate classification (germline): Uncertain significance (1 of 4 stars; one submission).

Conditions:
Hemorrhage. Identifiers: MedGen C0019080, MeSH D006470.

Allele frequency attached by ClinVar (database versions not stated): ExAC 0.00001; gnomAD 0.00001; gnomAD exomes 0.00001.
gnomAD v4.1: 14 of 1,613,996 alleles (0.00087%); highest among the groups gnomAD compares: South Asian, 0.0022%; no homozygotes.

Submission:

ISTH-SSC Genomics in Thrombosis and Hemostasis, KU Leuven, Center for Molecular and Vascular Biology
Classification: Uncertain significance for Hemorrhage. Review status: criteria provided, single submitter. Criteria: ACMG Guidelines, 2015. Collection method: clinical testing. Allele origin: germline. Affected: yes. Observed: 1 heterozygote.
Comment: Submitted to the GoldVariant database by Kathleen Freson, Center for Molecular and Vascular Biology

NM_000962.4(PTGS1):c.1571T>C (p.Ile524Thr)

Gene: PTGS1 (prostaglandin-endoperoxide synthase 1; plus strand). Cytogenetic location: 9q33.2.
Variant type: single nucleotide variant.
Coding change: c.1571T>C on transcript NM_000962.4 (MANE Select); coding-DNA position 1571, T replaced by C.
Protein change: p.Ile524Thr; replaces isoleucine 524 with threonine.
Molecular consequence: missense variant.
Genome position (GRCh38, 1-based): chr9:122,392,315, T>C. VCF-style: chr9-122392315-T-C. GRCh37 (hg19) VCF-style: chr9-125154594-T-C.
Other names: c.1427T>C, p.Ile476Thr (NM_001271164.2); c.1244T>C, p.Ile415Thr (NM_001271165.2); c.1133T>C, p.Ile378Thr (NM_001271166.2, NM_001271367.2); c.1385T>C, p.Ile462Thr (NM_001271368.2); c.1460T>C, p.Ile487Thr (NM_080591.3); short protein forms I378T, I415T, I462T, I476T, I487T, I524T.
Identifiers: ClinVar variation 2572133 (VCV002572133.1), dbSNP rs201812915, ClinGen allele CA5225135.